The following is an entry in ClinVar:

NM_024422.6(DSC2):c.1747A>G (p.Ile583Val)

Gene: DSC2 (desmocollin 2; minus strand). Cytogenetic location: 18q12.1.
Variant type: single nucleotide variant.
Coding change: c.1747A>G on transcript NM_024422.6 (MANE Select); coding-DNA position 1747, A replaced by G.
Protein change: p.Ile583Val; replaces isoleucine 583 with valine.
Molecular consequence: missense variant.
Genome position (GRCh38, 1-based): chr18:31,074,824, T>C on the plus strand (A>G on the coding strand, the complement: DSC2 is on the minus strand). VCF-style: chr18-31074824-T-C. GRCh37 (hg19) VCF-style: chr18-28654790-T-C.
Other names: c.1318A>G, p.Ile440Val (NM_001406506.1, NM_001406507.1); c.1747A>G, p.Ile583Val (NM_004949.5); short protein forms I440V, I583V.
Identifiers: ClinVar variation 3671300 (VCV003671300.3).

ClinVar aggregate classification (germline): Uncertain significance. Review status: criteria provided, multiple submitters, no conflicts (2 of 4 stars). 2 submissions from 2 submitters: Uncertain significance (2). Last evaluated 2024-12-23.

Conditions:
Arrhythmogenic right ventricular dysplasia 11. Also called: ARRHYTHMOGENIC RIGHT VENTRICULAR DYSPLASIA, FAMILIAL, 11; Arrhythmogenic Right Ventricular Dysplasia/Cardiomyopathy11; Arrhythmogenic right ventricular dysplasia 11 with mild palmoplantar keratoderma and woolly hair. Identifiers: MedGen C1864850, MONDO:0012506, OMIM 610476.
Cardiomyopathy (CMYO). Also called: Cardiomyopathies. Identifiers: Orphanet 167848, MedGen C0878544, MONDO:0004994, HP:0001638. Inheritance: Various modes of inheritance.

gnomAD v4.1: 1 of 1,614,002 alleles (0.000062%); highest among the groups gnomAD compares: Admixed American, 0.0017%; no homozygotes.

Submissions (2):

Color Diagnostics, LLC DBA Color Health
Classification: Uncertain significance for Cardiomyopathy. Last evaluated: 2024-12-23. Review status: criteria provided, single submitter. Criteria: ACMG Guidelines, 2015. Collection method: clinical testing. Allele origin: germline.
Comment: This missense variant replaces isoleucine with valine at codon 583 of the DSC2 protein. Computational prediction suggests that this variant may not impact protein structure and function (internally defined REVEL score threshold <= 0.5, PMID: 27666373). To our knowledge, functional studies have not been reported for this variant. This variant has not been reported in individuals affected with DSC2-related disorders in the literature. This variant has been identified in 1/251066 chromosomes in the general population by the Genome Aggregation Database (gnomAD). The available evidence is insufficient to determine the role of this variant in disease conclusively. Therefore, this variant is classified as a Variant of Uncertain Significance.

Labcorp Genetics (formerly Invitae), Labcorp
Classification: Uncertain significance for Arrhythmogenic right ventricular dysplasia 11. Last evaluated: 2024-05-20. Review status: criteria provided, single submitter. Criteria: Invitae Variant Classification Sherloc (09022015). Collection method: clinical testing. Allele origin: germline.
Comment: This sequence change replaces isoleucine, which is neutral and non-polar, with valine, which is neutral and non-polar, at codon 583 of the DSC2 protein (p.Ile583Val). This variant is not present in population databases (gnomAD no frequency). This variant has not been reported in the literature in individuals affected with DSC2-related conditions. Advanced modeling of protein sequence and biophysical properties (such as structural, functional, and spatial information, amino acid conservation, physicochemical variation, residue mobility, and thermodynamic stability) performed at Invitae indicates that this missense variant is not expected to disrupt DSC2 protein function with a negative predictive value of 80%. In summary, the available evidence is currently insufficient to determine the role of this variant in disease. Therefore, it has been classified as a Variant of Uncertain Significance.